The following is an entry in ClinVar:

ClinVar aggregate classification (germline): Uncertain significance. Review status: criteria provided, multiple submitters, no conflicts (2 of 4 stars). 2 submissions from 2 submitters: Uncertain significance (2). Last evaluated 2025-11-11.

Conditions:
Inborn genetic diseases. Identifiers: MedGen C0950123, MeSH D030342.
ZNF292-related disorder. Also called: ZNF292-related condition.

Allele frequency attached by ClinVar (database versions not stated): ESP Exome Variant Server 0.00008.
gnomAD v4.1: 5 of 1,613,308 alleles (0.00031%); highest among the groups gnomAD compares: Non-Finnish European, 0.00042%; no homozygotes.

Submissions (2):

Ambry Genetics
Classification: Uncertain significance for Inborn genetic diseases. Last evaluated: 2025-11-11. Review status: criteria provided, single submitter. Criteria: Ambry Variant Classification Scheme 2023. Collection method: clinical testing. Allele origin: germline.

PreventionGenetics, part of Exact Sciences
Classification: Uncertain significance for ZNF292-related condition. Last evaluated: 2022-11-21. Review status: criteria provided, single submitter. Criteria: ACMG Guidelines, 2015. Collection method: clinical testing. Allele origin: germline.
Comment: The ZNF292 c.2462A>G variant is predicted to result in the amino acid substitution p.Gln821Arg. To our knowledge, this variant has not been reported in the literature. This variant is reported in 0.00090% of alleles in individuals of European (Non-Finnish) descent in gnomAD. At this time, the clinical significance of this variant is uncertain due to the absence of conclusive functional and genetic evidence.

NM_015021.3(ZNF292):c.2462A>G (p.Gln821Arg)

Gene: ZNF292 (zinc finger protein 292; plus strand). Cytogenetic location: 6q14.3.
Variant type: single nucleotide variant.
Coding change: c.2462A>G on transcript NM_015021.3 (MANE Select); coding-DNA position 2462, A replaced by G.
Protein change: p.Gln821Arg; replaces glutamine 821 with arginine.
Molecular consequence: missense variant.
Genome position (GRCh38, 1-based): chr6:87,256,091, A>G. VCF-style: chr6-87256091-A-G. GRCh37 (hg19) VCF-style: chr6-87965809-A-G.
Other names: c.2042A>G, p.Gln681Arg (NM_001351444.2); short protein forms Q681R, Q821R.
Identifiers: ClinVar variation 2635598 (VCV002635598.2), dbSNP rs370957016, ClinGen allele CA142837249.
Genomic context (GRCh38, chr6:87,256,091, plus strand): 5'-CACAACATTATAATACGTACACTTGTAAGTTCACAGGTTGTGGTAAAGTTTATCGTTCTC[A>G]GGGTGAGCTGGAAAAGCATCTGGATGATCACAGTACTCCTCCTGAAAAAGTGCTGCCTCC-3'
Protein context (NP_055836.1, residues 811-831): FTGCGKVYRS[Gln821Arg]GELEKHLDDH